The following is an entry in ClinVar:

ClinVar aggregate classification (germline): Uncertain significance. Review status: criteria provided, multiple submitters, no conflicts (2 of 4 stars). 3 submissions from 3 submitters: Uncertain significance (3). Last evaluated 2025-11-13.

Conditions:
Intellectual disability, autosomal dominant 24 (VSVS). Also called: VULTO-VAN SILFHOUT-DE VRIES SYNDROME. Identifiers: MedGen C4014414, MONDO:0014357, OMIM 615828.

Allele frequency attached by ClinVar (database versions not stated): gnomAD 0.00001; TOPMed 0.00001; gnomAD exomes 0.00002 and 0.00003.
gnomAD v4.1: 40 of 1,613,016 alleles (0.0025%); highest among the groups gnomAD compares: Non-Finnish European, 0.003%; no homozygotes.

Submissions (3):

Labcorp Genetics (formerly Invitae), Labcorp
Classification: Uncertain significance. Last evaluated: 2025-11-13. Review status: criteria provided, single submitter. Criteria: Invitae Variant Classification Sherloc (09022015). Collection method: clinical testing. Allele origin: germline.
Comment: This sequence change replaces glutamic acid, which is acidic and polar, with lysine, which is basic and polar, at codon 552 of the DEAF1 protein (p.Glu552Lys). This variant is present in population databases (rs765017164, gnomAD 0.007%). This missense change has been observed in individual(s) with clinical features of DEAF1-related conditions (internal data). ClinVar contains an entry for this variant (Variation ID: 1375462). Invitae Evidence Modeling of protein sequence and biophysical properties (such as structural, functional, and spatial information, amino acid conservation, physicochemical variation, residue mobility, and thermodynamic stability) indicates that this missense variant is not expected to disrupt DEAF1 protein function with a negative predictive value of 80%. In summary, the available evidence is currently insufficient to determine the role of this variant in disease. Therefore, it has been classified as a Variant of Uncertain Significance.

Pittsburgh Clinical Genomics Laboratory, University of Pittsburgh Medical Center
Classification: Uncertain significance for Intellectual disability, autosomal dominant 24. Last evaluated: 2024-07-02. Review status: criteria provided, single submitter. Criteria: ACMG Guidelines, 2015. Collection method: clinical testing. Allele origin: germline. Inheritance: Autosomal unknown. Affected: yes.
Comment: This sequence variant is a single nucleotide substitution (G>A) at position 1654 of the coding sequence of the DEAF1 gene that results in a glutamic acid to lysine amino acid change at residue 552 of the DEAF1 transcription factor protein. This residue falls in the MYND zinc finger domain (UniProt). This is a previously reported variant (ClinVar 1375462) that has not been observed in individuals affected by a DEAF1-related disorder in the published literature, to our knowledge. This variant is present in 40 of 1613016 alleles (0.0025%) in the gnomAD population dataset. Bioinformatic tools are inconclusive if this amino acid change will be damaging or tolerated, and the Glu552 residue at this position is highly conserved across the vertebrate species examined. Studies examining the functional consequence of this variant have not been published, to our knowledge. At this time, there is insufficient evidence to determine if this variant is pathogenic or benign. Therefore, we consider this a variant of uncertain significance. ACMG Criteria: PM2

Centre of Medical Genetics, University Hospital Muenster
Classification: Uncertain significance. Last evaluated: 2022-08-30. Review status: criteria provided, single submitter. Criteria: ACMG Guidelines, 2015. Collection method: clinical testing. Allele origin: unknown. Affected: yes. Observed: 1 variant allele, 1 heterozygote.
Comment: ACMG categories: PM2,PP3

NM_021008.4(DEAF1):c.1654G>A (p.Glu552Lys)

Gene: DEAF1 (DEAF1 transcription factor; minus strand). Cytogenetic location: 11p15.5.
Variant type: single nucleotide variant.
Coding change: c.1654G>A on transcript NM_021008.4 (MANE Select); coding-DNA position 1654, G replaced by A.
Protein change: p.Glu552Lys; replaces glutamic acid 552 with lysine.
Molecular consequence: missense variant.
Genome position (GRCh38, 1-based): chr11:644,594, C>T on the plus strand (G>A on the coding strand, the complement: DEAF1 is on the minus strand). VCF-style: chr11-644594-C-T. GRCh37 (hg19) VCF-style: chr11-644594-C-T.
Other names: c.1429G>A, p.Glu477Lys (NM_001293634.2); c.928G>A, p.Glu310Lys (NM_001367390.1); short protein forms E310K, E552K, E477K.
Identifiers: ClinVar variation 1375462 (VCV001375462.9), dbSNP rs765017164, ClinGen allele CA5786093.
Genomic context (GRCh38, chr11:644,594, plus strand): 5'-GGCGGCCGATGGAGCCTCACACGGTCACCTTCTCCATCACGCTTTCAGCCACGTGGACTT[C>T]GTCTGCCTGGACGGTGACAGCTGCTGACTGGCCGCATATGTGCTGGTGATCCTTCCAGTC-3'
Protein context (NP_066288.2, residues 542-562): QSAAVTVQAD[Glu552Lys]VHVAESVMEK